The following is an entry in ClinVar:

ClinVar aggregate classification (germline): Uncertain significance (1 of 4 stars; one submission).

Conditions:
Inborn genetic diseases. Identifiers: MedGen C0950123, MeSH D030342.

gnomAD v4.1: 4 of 1,608,620 alleles (0.00025%); highest among the groups gnomAD compares: Non-Finnish European, 0.00034%; no homozygotes.

Submission:

Ambry Genetics
Classification: Uncertain significance for Inborn genetic diseases. Last evaluated: 2025-11-10. Review status: criteria provided, single submitter. Criteria: Ambry Variant Classification Scheme 2023. Collection method: clinical testing. Allele origin: germline.
Comment: The p.D904G variant (also known as c.2711A>G), located in coding exon 14 of the FANCM gene, results from an A to G substitution at nucleotide position 2711. The aspartic acid at codon 904 is replaced by glycine, an amino acid with similar properties. This amino acid position is conserved. In addition, this alteration is predicted to be tolerated by in silico analysis. Based on the available evidence, the clinical significance of this variant remains unclear.

NM_020937.4(FANCM):c.2711A>G (p.Asp904Gly)

Gene: FANCM (FA complementation group M; plus strand). Cytogenetic location: 14q21.2.
Variant type: single nucleotide variant.
Coding change: c.2711A>G on transcript NM_020937.4 (MANE Select); coding-DNA position 2711, A replaced by G.
Protein change: p.Asp904Gly; replaces aspartic acid 904 with glycine.
Molecular consequence: missense variant.
Genome position (GRCh38, 1-based): chr14:45,175,465, A>G. VCF-style: chr14-45175465-A-G. GRCh37 (hg19) VCF-style: chr14-45644668-A-G.
Other names: c.2633A>G, p.Asp878Gly (NM_001308133.2); short protein forms D878G, D904G.
Identifiers: ClinVar variation 4619572 (VCV004619572.1).